The following is an entry in ClinVar:

ClinVar aggregate classification (germline): Uncertain significance (1 of 4 stars; one submission).

Allele frequency attached by ClinVar (database versions not stated): gnomAD 0.00001; gnomAD exomes 0.00001; TOPMed 0.00001.
gnomAD v4.1: 4 of 1,612,778 alleles (0.00025%); highest among the groups gnomAD compares: Non-Finnish European, 0.00034%; no homozygotes.

Submission:

Athena Diagnostics
Classification: Uncertain significance. Last evaluated: 2023-04-25. Review status: criteria provided, single submitter. Criteria: Athena Diagnostics Criteria. Collection method: clinical testing. Allele origin: unknown.
Comment: Available data are insufficient to determine the clinical significance of the variant at this time. The frequency of this variant in the general population is uninformative in assessment of its pathogenicity. Computational tools disagree on the variant's effect on normal protein function.

NM_020919.4(ALS2):c.2180G>A (p.Gly727Asp)

Gene: ALS2 (alsin Rho guanine nucleotide exchange factor ALS2; minus strand). Cytogenetic location: 2q33.1.
Variant type: single nucleotide variant.
Coding change: c.2180G>A on transcript NM_020919.4 (MANE Select); coding-DNA position 2180, G replaced by A.
Protein change: p.Gly727Asp; replaces glycine 727 with aspartic acid.
Molecular consequence: missense variant.
Genome position (GRCh38, 1-based): chr2:201,741,845, C>T on the plus strand (G>A on the coding strand, the complement: ALS2 is on the minus strand). VCF-style: chr2-201741845-C-T. GRCh37 (hg19) VCF-style: chr2-202606568-C-T.
Other names: c.2180G>A, p.Gly727Asp (NM_001410975.1); short protein forms G727D.
Identifiers: ClinVar variation 2684239 (VCV002684239.1), dbSNP rs1428020103, ClinGen allele CA350324848.